The following is an entry in ClinVar:

NM_001349798.2(FBXW7):c.850C>T (p.Leu284Phe)

Genes: FBXW7 (F-box and WD repeat domain containing 7; minus strand), FBXW7-AS1 (FBXW7 antisense RNA 1; plus strand). Cytogenetic location: 4q31.3.
Variant type: single nucleotide variant.
Coding change: c.850C>T on transcript NM_001349798.2 (MANE Select); coding-DNA position 850, C replaced by T.
Protein change: p.Leu284Phe; replaces leucine 284 with phenylalanine.
Molecular consequence: missense variant. On other transcripts: non-coding transcript variant (1).
Genome position (GRCh38, 1-based): chr4:152,337,813, G>A on the plus strand (C>T on the coding strand, the complement: FBXW7 is on the minus strand). VCF-style: chr4-152337813-G-A. GRCh37 (hg19) VCF-style: chr4-153258965-G-A.
Other names: c.496C>T, p.Leu166Phe (NM_001013415.2); c.610C>T, p.Leu204Phe (NM_018315.5); c.850C>T, p.Leu284Phe (NM_033632.3); short protein forms L166F, L204F, L284F.
Identifiers: ClinVar variation 3341451 (VCV003341451.1).

ClinVar aggregate classification (germline): Uncertain significance (1 of 4 stars; one submission).

Conditions:
Developmental delay, hypotonia, and impaired language (DEDHIL). Identifiers: MedGen C5774202, MONDO:0859280, OMIM 620012.

Submission:

Neuberg Centre For Genomic Medicine, NCGM
Classification: Uncertain significance for Developmental delay, hypotonia, and impaired language. Last evaluated: 2023-05-20. Review status: criteria provided, single submitter. Criteria: ACMG Guidelines, 2015. Collection method: clinical testing. Allele origin: germline. Inheritance: Autosomal dominant inheritance. Affected: yes.
Comment: The observed missense c.850C>T(p.Leu284Phe) variant in FBXW7 gene has not been reported previously as a pathogenic variant nor as a benign variant, to our knowledge. This variant is absent in gnomAD Exomes. The amino acid Leu at position 284 is changed to a Phe changing protein sequence and it might alter its composition and physico-chemical properties. The amino acid change p.Leu284Phe in FBXW7 is predicted as conserved by GERP++ and PhyloP across 100 vertebrates. Multiple lines of computational evidence (Polyphen - Damaging, SIFT - Damaging, and MutationTaster - Disease causing) predict a damaging effect on protein structure and function for this variant. For these reasons, this variant has been classified as Uncertain Significance.